The following is an entry in ClinVar:

NM_153704.6(TMEM67):c.520G>C (p.Glu174Gln)

Gene: TMEM67 (transmembrane protein 67; plus strand). Cytogenetic location: 8q22.1.
Variant type: single nucleotide variant.
Coding change: c.520G>C on transcript NM_153704.6 (MANE Select); coding-DNA position 520, G replaced by C.
Protein change: p.Glu174Gln; replaces glutamic acid 174 with glutamine.
Molecular consequence: missense variant. On other transcripts: non-coding transcript variant (1).
Genome position (GRCh38, 1-based): chr8:93,765,419, G>C. VCF-style: chr8-93765419-G-C. GRCh37 (hg19) VCF-style: chr8-94777647-G-C.
Other names: c.277G>C, p.Glu93Gln (NM_001142301.1); short protein forms E174Q, E93Q.
Identifiers: ClinVar variation 1077040 (VCV001077040.1), dbSNP rs2130585385, ClinGen allele CA371686838.

ClinVar aggregate classification (germline): Uncertain significance (1 of 4 stars; one submission).

Conditions:
Nephronophthisis 11 (NPHP11). Identifiers: Orphanet 84081, MedGen C3150796, MONDO:0013302, OMIM 613550.

Submission:

Precision Medicine Center, Zhengzhou University
Classification: Uncertain significance for Nephronophthisis 11. Review status: criteria provided, single submitter. Criteria: ACMG Guidelines, 2015. Collection method: research. Allele origin: germline. Affected: yes.
Comment: PM2:not found in gnomAD PP3:Multiple lines of computational evidence support a deleterious effect on the gene or gene product